The following is an entry in ClinVar:

ClinVar aggregate classification (germline): Uncertain significance (1 of 4 stars; one submission).

Allele frequency attached by ClinVar (database versions not stated): gnomAD exomes below 0.00001; TOPMed below 0.00001.

Submission:

Labcorp Genetics (formerly Invitae), Labcorp
Classification: Uncertain significance. Last evaluated: 2022-06-23. Review status: criteria provided, single submitter. Criteria: Invitae Variant Classification Sherloc (09022015). Collection method: clinical testing. Allele origin: germline.
Comment: This sequence change replaces histidine, which is basic and polar, with tyrosine, which is neutral and polar, at codon 705 of the KAT6A protein (p.His705Tyr). This variant is not present in population databases (gnomAD no frequency). This variant has not been reported in the literature in individuals affected with KAT6A-related conditions. Algorithms developed to predict the effect of missense changes on protein structure and function are either unavailable or do not agree on the potential impact of this missense change (SIFT: "Deleterious"; PolyPhen-2: "Benign"; Align-GVGD: "Class C0"). In summary, the available evidence is currently insufficient to determine the role of this variant in disease. Therefore, it has been classified as a Variant of Uncertain Significance.

NM_006766.5(KAT6A):c.2113C>T (p.His705Tyr)

Gene: KAT6A (lysine acetyltransferase 6A; minus strand). Cytogenetic location: 8p11.21.
Variant type: single nucleotide variant.
Coding change: c.2113C>T on transcript NM_006766.5 (MANE Select); coding-DNA position 2113, C replaced by T.
Protein change: p.His705Tyr; replaces histidine 705 with tyrosine.
Molecular consequence: missense variant.
Genome position (GRCh38, 1-based): chr8:41,943,863, G>A on the plus strand (C>T on the coding strand, the complement: KAT6A is on the minus strand). VCF-style: chr8-41943863-G-A. GRCh37 (hg19) VCF-style: chr8-41801381-G-A.
Other names: c.2113C>T, p.His705Tyr (NM_001305878.2); short protein forms H705Y.
Identifiers: ClinVar variation 1956021 (VCV001956021.5), dbSNP rs1449852826, ClinGen allele CA371073218.